The following is an entry in ClinVar:

ClinVar aggregate classification (germline): Benign. Review status: criteria provided, multiple submitters, no conflicts (2 of 4 stars). 5 submissions from 5 submitters: Benign (4). 1 of the submissions does not count toward it. Last evaluated 2023-07-07.

Conditions:
Fanconi anemia complementation group P. Also called: SLX4-Related Fanconi Anemia. Identifiers: Orphanet 84, MedGen C3469542, MONDO:0013499, OMIM 613951.

Allele frequency attached by ClinVar (database versions not stated): 1000 Genomes Project 0.05451; 1000 Genomes Project 30x 0.05637; gnomAD exomes 0.06100 and 0.06299; TOPMed 0.06248; ExAC 0.06255; gnomAD 0.06300 and 0.06373; ESP Exome Variant Server 0.06495.
gnomAD v4.1: 101,330 of 1,612,140 alleles (6.3%); highest among the groups gnomAD compares: Admixed American, 7%; 3,408 homozygotes.

Submissions (5):

KCCC/NGS Laboratory, Kuwait Cancer Control Center
Classification: Benign for Fanconi anemia complementation group P. Last evaluated: 2023-07-07. Review status: criteria provided, single submitter. Criteria: ACMG Guidelines, 2015. Collection method: clinical testing. Allele origin: germline. Affected: yes.

GeneDx
Classification: Benign. Last evaluated: 2019-02-24. Review status: criteria provided, single submitter. Criteria: GeneDx Variant Classification Process June 2021. Collection method: clinical testing. Allele origin: germline. Affected: yes.

Breakthrough Genomics
Classification: Benign. Review status: criteria provided, single submitter. Criteria: ACMG Guidelines, 2015. Collection method: not provided. Allele origin: germline. Inheritance: Autosomal recessive inheritance. Affected: yes.

PreventionGenetics, part of Exact Sciences
Classification: Benign. Review status: criteria provided, single submitter. Criteria: ACMG Guidelines, 2015. Collection method: clinical testing. Allele origin: germline.

Leiden Open Variation Database
Classification: Likely benign. Last evaluated: 2012-08-31. Review status: no assertion criteria provided. Collection method: curation. Allele origin: germline. Affected: yes. Not counted in ClinVar's aggregate classification.
Comment: Curator: Arleen D. Auerbach. Submitter to LOVD: Janine Bakker.

Literature cited by the submitters: PubMed 22911665 (cited by Leiden Open Variation Database).

NM_032444.4(SLX4):c.2013+23G>A

Gene: SLX4 (SLX4 structure-specific endonuclease subunit; minus strand). Cytogenetic location: 16p13.3.
Variant type: single nucleotide variant.
Coding change: c.2013+23G>A on transcript NM_032444.4 (MANE Select); 23 bases into the intron after coding-DNA position 2013, G replaced by A.
Molecular consequence: intron variant.
Genome position (GRCh38, 1-based): chr16:3,595,582, C>T on the plus strand (G>A on the coding strand, the complement: SLX4 is on the minus strand). VCF-style: chr16-3595582-C-T. GRCh37 (hg19) VCF-style: chr16-3645583-C-T.
Other names: c.2013+23G>A (LRG_503t1, NM_032444.3).
Identifiers: ClinVar variation 262041 (VCV000262041.8), dbSNP rs112226642, ClinGen allele CA7866330.
Genomic context (GRCh38, chr16:3,595,582, plus strand): 5'-GGCCAGCGGTGAGCCAACCCCACCACACACATGGCAAGTGGGATGGCCGGGACCAGAGAG[C>T]GCGGGCCAGAGCCAGTTCTTACCAAGGTGCGGCCGCCCCTGTCCGGGTGCTTGTCCTGCG-3'